The following is an entry in ClinVar:

NM_000284.4(PDHA1):c.*728C>T

Genes: MAP3K15 (mitogen-activated protein kinase kinase kinase 15; minus strand), PDHA1 (pyruvate dehydrogenase E1 subunit alpha 1; plus strand). Cytogenetic location: Xp22.12.
Variant type: single nucleotide variant.
Coding change: c.*728C>T on transcript NM_000284.4 (MANE Select); 728 bases downstream of the stop codon, C replaced by T.
Molecular consequence: 3 prime UTR variant.
Genome position (GRCh38, 1-based): chrX:19,360,381, C>T. VCF-style: chrX-19360381-C-T. GRCh37 (hg19) VCF-style: chrX-19378499-C-T.
Other names: c.*368G>A (NM_001001671.4); c.*728C>T (NM_001173454.2, NM_001173455.2, NM_001173456.2).
Identifiers: ClinVar variation 914462 (VCV000914462.5), dbSNP rs1042452, ClinGen allele CA327032163.

ClinVar aggregate classification (germline): Benign. Review status: criteria provided, multiple submitters, no conflicts (2 of 4 stars). 2 submissions from 2 submitters: Benign (2). Last evaluated 2018-01-13.

Conditions:
Pyruvate dehydrogenase E1-alpha deficiency (PDHAD). Also called: ATAXIA, INTERMITTENT, WITH PYRUVATE DEHYDROGENASE DEFICIENCY; ATAXIA WITH LACTIC ACIDOSIS I; ATAXIA, INTERMITTENT, WITH ABNORMAL PYRUVATE METABOLISM; Ataxia, intermittent, with pyruvate dehydrogenase, or decarboxylase, deficiency. Identifiers: Orphanet 79243, MedGen C1839413, MONDO:0010717, OMIM 312170.

Allele frequency attached by ClinVar (database versions not stated): gnomAD 0.21698 and 0.22767; TOPMed 0.24302; 1000 Genomes Project 0.24609; 1000 Genomes Project 30x 0.25473.
gnomAD v4.1: 26,593 of 160,911 alleles (17%); highest among the groups gnomAD compares: African/African-American, 65%; 5,133 homozygotes.

Submissions (2):

Illumina Laboratory Services, Illumina
Classification: Benign for Pyruvate dehydrogenase E1-alpha deficiency. Last evaluated: 2018-01-13. Review status: criteria provided, single submitter. Criteria: ICSL Variant Classification Criteria 13 December 2019. Collection method: clinical testing. Allele origin: germline.
Comment: This variant was observed in the ICSL laboratory as part of a predisposition screen in an ostensibly healthy population. It had not been previously curated by ICSL or reported in the Human Gene Mutation Database (HGMD: prior to June 1st, 2018), and was therefore a candidate for classification through an automated scoring system. Utilizing variant allele frequency, disease prevalence and penetrance estimates, and inheritance mode, an automated score was calculated to assess if this variant is too frequent to cause the disease. Based on the score and internal cut-off values, a variant classified as benign is not then subjected to further curation. The score for this variant resulted in a classification of benign for this disease.

Breakthrough Genomics
Classification: Benign. Review status: criteria provided, single submitter. Criteria: ACMG Guidelines, 2015. Collection method: not provided. Allele origin: germline. Inheritance: X-linked inheritance. Affected: yes.